The following is an entry in ClinVar:

NM_012123.4(MTO1):c.552A>G (p.Val184=)

Gene: MTO1 (mitochondrial tRNA translation optimization 1; plus strand). Cytogenetic location: 6q13.
Variant type: single nucleotide variant.
Coding change: c.552A>G on transcript NM_012123.4 (MANE Select); coding-DNA position 552, A replaced by G.
Protein change: p.Val184=; no amino-acid change (valine 184 retained).
Molecular consequence: synonymous variant.
Genome position (GRCh38, 1-based): chr6:73,473,381, A>G. VCF-style: chr6-73473381-A-G. GRCh37 (hg19) VCF-style: chr6-74183104-A-G.
Other names: c.552A>G, p.Val184= (NM_001123226.2, NM_133645.3).
Identifiers: ClinVar variation 1039509 (VCV001039509.33), dbSNP rs746213747, ClinGen allele CA3889395.
Genomic context (GRCh38, chr6:73,473,381, plus strand): 5'-TAGATACATAGATAATGACTTTATTCTTTTTTCTTGTTATTTAGTGGATGGAAGCACAGT[A>G]TATGCAGAGAGTGTGATTCTGACTACTGGGACATTTCTGAGAGGCATGATTGTAATTGGA-3'
Protein context (NP_036255.2, residues 174-194): SGVVLVDGST[Val184=]YAESVILTTG

ClinVar aggregate classification (germline): Likely benign. Review status: criteria provided, multiple submitters, no conflicts (2 of 4 stars). 3 submissions from 3 submitters: Likely benign (3). Last evaluated 2025-02-12.

Conditions:
Mitochondrial hypertrophic cardiomyopathy with lactic acidosis due to MTO1 deficiency. Also called: CARDIOMYOPATHY, INFANTILE HYPERTROPHIC MITOCHONDRIAL, AND LACTIC ACIDOSIS; Combined oxidative phosphorylation deficiency 10. Identifiers: Orphanet 314637, MedGen C4749921, MONDO:0013865, OMIM 614702.

Allele frequency attached by ClinVar (database versions not stated): ExAC 0.00001; gnomAD exomes 0.00001 and 0.00005; gnomAD 0.00003 and 0.00004; TOPMed 0.00005.
gnomAD v4.1: 80 of 1,613,704 alleles (0.005%); highest among the groups gnomAD compares: Non-Finnish European, 0.0063%; no homozygotes.

Submissions (3):

Labcorp Genetics (formerly Invitae), Labcorp
Classification: Likely benign for Mitochondrial hypertrophic cardiomyopathy with lactic acidosis due to MTO1 deficiency. Last evaluated: 2025-02-12. Review status: criteria provided, single submitter. Criteria: Invitae Variant Classification Sherloc (09022015). Collection method: clinical testing. Allele origin: germline.

CeGaT Center for Human Genetics Tuebingen
Classification: Likely benign. Last evaluated: 2023-11-01. Review status: criteria provided, single submitter. Criteria: CeGaT Center For Human Genetics Tuebingen Variant Classification Criteria Version 2. Collection method: clinical testing. Allele origin: germline. Affected: yes. Observed: 1 variant allele.
Comment: MTO1: BP4, BP7

GeneDx
Classification: Likely benign. Last evaluated: 2020-10-15. Review status: criteria provided, single submitter. Criteria: GeneDx Variant Classification Process June 2021. Collection method: clinical testing. Allele origin: germline. Affected: yes.